The following is an entry in ClinVar:

ClinVar aggregate classification (germline): Uncertain significance (1 of 4 stars; one submission).

Conditions:
Polyhydramnios, megalencephaly, and symptomatic epilepsy (PMSE). Also called: PMSE SYNDROME. Identifiers: Orphanet 500533, MedGen C1970203, MONDO:0012611, OMIM 611087.

Allele frequency attached by ClinVar (database versions not stated): gnomAD exomes below 0.00001; TOPMed below 0.00001.
gnomAD v4.1: 5 of 1,613,546 alleles (0.00031%); highest among the groups gnomAD compares: African/African-American, 0.0013%; no homozygotes.

Submission:

Labcorp Genetics (formerly Invitae), Labcorp
Classification: Uncertain significance for Polyhydramnios, megalencephaly, and symptomatic epilepsy. Last evaluated: 2024-02-24. Review status: criteria provided, single submitter. Criteria: Invitae Variant Classification Sherloc (09022015). Collection method: clinical testing. Allele origin: germline.
Comment: This sequence change replaces asparagine, which is neutral and polar, with serine, which is neutral and polar, at codon 43 of the STRADA protein (p.Asn43Ser). This variant is not present in population databases (gnomAD no frequency). This variant has not been reported in the literature in individuals affected with STRADA-related conditions. ClinVar contains an entry for this variant (Variation ID: 959455). An algorithm developed to predict the effect of missense changes on protein structure and function (PolyPhen-2) suggests that this variant is likely to be tolerated. In summary, the available evidence is currently insufficient to determine the role of this variant in disease. Therefore, it has been classified as a Variant of Uncertain Significance.

NM_001003787.4(STRADA):c.128A>G (p.Asn43Ser)

Gene: STRADA (STE20 related adaptor alpha; minus strand). Cytogenetic location: 17q23.3.
Variant type: single nucleotide variant.
Coding change: c.128A>G on transcript NM_001003787.4 (MANE Select); coding-DNA position 128, A replaced by G.
Protein change: p.Asn43Ser; replaces asparagine 43 with serine.
Molecular consequence: missense variant. On other transcripts: 5 prime UTR variant (3), non-coding transcript variant (1), intron variant (1).
Genome position (GRCh38, 1-based): chr17:63,714,104, T>C on the plus strand (A>G on the coding strand, the complement: STRADA is on the minus strand). VCF-style: chr17-63714104-T-C. GRCh37 (hg19) VCF-style: chr17-61791464-T-C.
Other names: c.17A>G, p.Asn6Ser (NM_001003786.3, NM_001363789.1, NM_153335.6); c.-47A>G (NM_001003788.3, NM_001363790.1, NM_001363791.1); c.41A>G, p.Asn14Ser (NM_001165969.2, NM_001363787.1); c.104A>G, p.Asn35Ser (NM_001363786.1); c.128A>G, p.Asn43Ser (NM_001363788.1); c.95-577A>G (NM_001165970.2); short protein forms N35S, N14S, N43S, N6S.
Identifiers: ClinVar variation 959455 (VCV000959455.10), dbSNP rs1372878030, ClinGen allele CA400594457.